The following is an entry in ClinVar:

ClinVar aggregate classification (germline): Uncertain significance. Review status: criteria provided, multiple submitters, no conflicts (2 of 4 stars). 3 submissions from 3 submitters: Uncertain significance (3). Last evaluated 2026-06-01.

Conditions:
Microcephalic osteodysplastic primordial dwarfism type II (MOPD2). Also called: OSTEODYSPLASTIC PRIMORDIAL DWARFISM, TYPE II; Microcephalic osteodysplastic primordial dwarfism with tooth abnormalities; MOPD II. Identifiers: Orphanet 2637, MedGen C0432246, MONDO:0008872, OMIM 210720.
PCNT-related disorder. Also called: PCNT-related condition.

Allele frequency attached by ClinVar (database versions not stated): ExAC 0.00004; gnomAD exomes 0.00008 and 0.00014; TOPMed 0.00011; gnomAD 0.00012.

Submissions (3):

PreventionGenetics, part of Exact Sciences
Classification: Uncertain significance for PCNT-related condition. Last evaluated: 2026-06-01. Review status: criteria provided, single submitter. Criteria: ACMG Guidelines, 2015. Collection method: clinical testing. Allele origin: germline.
Comment: The PCNT c.5741C>T variant is predicted to result in the amino acid substitution p.Ala1914Val. To our knowledge, this variant has not been reported in the literature. This variant is reported in 0.020% of alleles in individuals of European (non-Finnish) descent in gnomAD. At this time, the clinical significance of this variant is uncertain due to the absence of conclusive functional and genetic evidence.

Labcorp Genetics (formerly Invitae), Labcorp
Classification: Uncertain significance. Last evaluated: 2025-06-04. Review status: criteria provided, single submitter. Criteria: Invitae Variant Classification Sherloc (09022015). Collection method: clinical testing. Allele origin: germline.
Comment: This sequence change replaces alanine, which is neutral and non-polar, with valine, which is neutral and non-polar, at codon 1914 of the PCNT protein (p.Ala1914Val). This variant is present in population databases (rs748285536, gnomAD 0.02%). This variant has not been reported in the literature in individuals affected with PCNT-related conditions. ClinVar contains an entry for this variant (Variation ID: 340507). An algorithm developed to predict the effect of missense changes on protein structure and function outputs the following: PolyPhen-2: "Possibly Damaging". The valine amino acid residue is found in multiple mammalian species, which suggests that this missense change does not adversely affect protein function. In summary, the available evidence is currently insufficient to determine the role of this variant in disease. Therefore, it has been classified as a Variant of Uncertain Significance.

Illumina Laboratory Services, Illumina
Classification: Uncertain significance for Microcephalic osteodysplastic primordial dwarfism type II. Last evaluated: 2018-01-13. Review status: criteria provided, single submitter. Criteria: ICSL Variant Classification Criteria 13 December 2019. Collection method: clinical testing. Allele origin: germline.

NM_006031.6(PCNT):c.5741C>T (p.Ala1914Val)

Gene: PCNT (pericentrin; plus strand). Cytogenetic location: 21q22.3.
Variant type: single nucleotide variant.
Coding change: c.5741C>T on transcript NM_006031.6 (MANE Select); coding-DNA position 5741, C replaced by T.
Protein change: p.Ala1914Val; replaces alanine 1914 with valine.
Molecular consequence: missense variant.
Genome position (GRCh38, 1-based): chr21:46,411,814, C>T. VCF-style: chr21-46411814-C-T. GRCh37 (hg19) VCF-style: chr21-47831728-C-T.
Other names: c.5387C>T, p.Ala1796Val (NM_001315529.2); short protein forms A1914V, A1796V.
Identifiers: ClinVar variation 340507 (VCV000340507.9), dbSNP rs748285536, ClinGen allele CA10080078.